The following is an entry in ClinVar:

NM_152328.5(ADSS1):c.750C>G (p.Ile250Met)

Gene: ADSS1 (adenylosuccinate synthase 1; plus strand). Cytogenetic location: 14q32.33.
Variant type: single nucleotide variant.
Coding change: c.750C>G on transcript NM_152328.5 (MANE Select); coding-DNA position 750, C replaced by G.
Protein change: p.Ile250Met; replaces isoleucine 250 with methionine.
Molecular consequence: missense variant.
Genome position (GRCh38, 1-based): chr14:104,741,200, C>G. VCF-style: chr14-104741200-C-G. GRCh37 (hg19) VCF-style: chr14-105207537-C-G.
Other names: c.135C>G, p.Ile45Met (NM_001320424.1); c.879C>G, p.Ile293Met (NM_199165.2); c.879C>G (NM_199165.1); short protein forms I45M, I250M, I293M.
Identifiers: ClinVar variation 1029191 (VCV001029191.4), dbSNP rs1891336595, ClinGen allele CA391240690.

ClinVar aggregate classification (germline): Uncertain significance. Review status: criteria provided, multiple submitters, no conflicts (2 of 4 stars). 2 submissions from 2 submitters: Uncertain significance (2). Last evaluated 2019-11-17.

Conditions:
Myopathy, distal, 5 (MPD5). Also called: Adenylosuccinate synthetase-like 1-related distal myopathy. Identifiers: Orphanet 482601, MedGen C5567521, MONDO:0014877, OMIM 617030.

gnomAD v4.1: 1 of 1,611,578 alleles (0.000062%); no homozygotes.

Submissions (2):

Revvity Omics, Revvity
Classification: Uncertain significance for Myopathy, distal, 5. Last evaluated: 2019-11-17. Review status: criteria provided, single submitter. Criteria: ACMG Guidelines, 2015. Collection method: clinical testing. Allele origin: germline.

Baylor Genetics
Classification: Uncertain significance for Myopathy, distal, 5. Last evaluated: 2019-08-23. Review status: criteria provided, single submitter. Criteria: ACMG Guidelines, 2015. Collection method: clinical testing. Allele origin: unknown. Affected: yes.
Comment: This variant was determined to be of uncertain significance according to ACMG Guidelines, 2015 [PMID:25741868].